The following is an entry in ClinVar:

NM_000492.4(CFTR):c.1392G>A (p.Lys464=)

Genes: CFTR (CF transmembrane conductance regulator; plus strand), CFTR-AS1 (CFTR antisense RNA 1; minus strand). Cytogenetic location: 7q31.2.
Variant type: single nucleotide variant.
Coding change: c.1392G>A on transcript NM_000492.4 (MANE Select); coding-DNA position 1392, G replaced by A.
Protein change: p.Lys464=; no amino-acid change (lysine 464 retained).
Molecular consequence: synonymous variant.
Genome position (GRCh38, 1-based): chr7:117,548,823, G>A. VCF-style: chr7-117548823-G-A. GRCh37 (hg19) VCF-style: chr7-117188877-G-A.
Identifiers: ClinVar variation 2624958 (VCV002624958.3), dbSNP rs397508198, ClinGen allele CA4450979.
Genomic context (GRCh38, chr7:117,548,823, plus strand): 5'-TAATTTCAAGATAGAAAGAGGACAGTTGTTGGCGGTTGCTGGATCCACTGGAGCAGGCAA[G>A]GTAGTTCTTTTGTTCTTCACTATTAAGAACTTAATTTGGTGTCCATGTCTCTTTTTTTTT-3'
Protein context (NP_000483.3, residues 454-474): LAVAGSTGAG[Lys464=]TSLLMVIMGE

ClinVar aggregate classification (germline): Uncertain significance. Review status: criteria provided, multiple submitters, no conflicts (2 of 4 stars). 2 submissions from 2 submitters: Uncertain significance (2). Last evaluated 2025-03-25.

Conditions:
Cystic fibrosis (CF). Also called: MUCOVISCIDOSIS. Identifiers: Orphanet 586, MedGen C0010674, MONDO:0009061, OMIM 219700. Disease mechanism: loss of function.

Allele frequency attached by ClinVar (database versions not stated): ExAC 0.00001; 1000 Genomes Project 0.00020.

Submissions (2):

Women's Health and Genetics/Laboratory Corporation of America, LabCorp
Classification: Uncertain significance. Last evaluated: 2025-03-25. Review status: criteria provided, single submitter. Criteria: LabCorp Variant Classification Summary - May 2015. Collection method: clinical testing. Allele origin: germline.
Comment: Variant summary: CFTR c.1392G>A (p.Lys464Lys) alters a conserved nucleotide located close to a canonical splice site and therefore could affect mRNA splicing, leading to a significantly altered protein sequence. Several computational tools predict a significant impact on normal splicing: Three predict the variant abolishes a 5' splicing donor site. One predict the variant weakens a cryptic 5' donor site. However, these predictions have yet to be confirmed by functional studies. The variant was absent in 1596578 control chromosomes. The available data on variant occurrences in the general population are insufficient to allow any conclusion about variant significance. To our knowledge, no occurrence of c.1392G>A in individuals affected with Cystic Fibrosis and no experimental evidence demonstrating its impact on protein function have been reported. ClinVar contains an entry for this variant (Variation ID: 2624958). Based on the evidence outlined above, the variant was classified as uncertain significance.

Ambry Genetics
Classification: Uncertain significance for Cystic fibrosis. Last evaluated: 2023-08-14. Review status: criteria provided, single submitter. Criteria: Ambry Variant Classification Scheme 2023. Collection method: clinical testing. Allele origin: germline.
Comment: The c.1392G>A variant (also known as p.K464K), located in coding exon 10 of the CFTR gene, results from a G to A substitution at nucleotide position 1392. This nucleotide substitution does not change the at codon 464. However, this change occurs in the last base pair of coding exon 10, which makes it likely to have some effect on normal mRNA splicing. This nucleotide position is well conserved in available vertebrate species. In silico splice site analysis predicts that this alteration will weaken the native splice donor site. Since supporting evidence is limited at this time, the clinical significance of this alteration remains unclear.